The following is an entry in ClinVar:

ClinVar aggregate classification (germline): Pathogenic/Likely pathogenic. Review status: criteria provided, multiple submitters, no conflicts (2 of 4 stars). 3 submissions from 3 submitters: Pathogenic (2); Likely pathogenic (1). Last evaluated 2025-02-25.

Conditions:
POLG-related disorder. Also called: POLG-Related Spectrum Disorders; POLG-related condition; POLG-Related Disorders. Identifiers: MedGen C4763519.
Progressive sclerosing poliodystrophy (MTDPS4A). Also called: ALPERS PROGRESSIVE INFANTILE POLIODYSTROPHY; Alpers-Huttenlocher Syndrome (AHS); NEURONAL DEGENERATION OF CHILDHOOD WITH LIVER DISEASE, PROGRESSIVE; Mitochondrial DNA depletion syndrome 4A (Alpers type); Mitochondrial DNA Depletion Syndrome 4A; Alpers Syndrome. Identifiers: Orphanet 726, MedGen C0205710, MONDO:0008758, OMIM 203700.

Allele frequency attached by ClinVar (database versions not stated): gnomAD 0.00001.
gnomAD v4.1: 1 of 1,605,798 alleles (0.000062%); highest among the groups gnomAD compares: African/African-American, 0.0014%; no homozygotes.

Submissions (3):

Myriad Genetics, Inc.
Classification: Pathogenic for POLG-related disorder. Last evaluated: 2025-02-25. Review status: criteria provided, single submitter. Criteria: Myriad Autosomal Dominant, Autosomal Recessive and X-Linked Classification Criteria (2023). Collection method: clinical testing. Allele origin: unknown.
Comment: NM_002693.2(POLG):c.163C>T(Q55*) is a nonsense variant classified as pathogenic in the context of POLG-related disorders. Q55* has not been observed in cases with relevant disease. Relevant functional assessments of this variant are not available in the literature. Q55* has not been observed in referenced population frequency databases. In summary, NM_002693.2(POLG):c.163C>T(Q55*) is a nonsense variant in a gene where loss of function is a known mechanism of disease and is predicted to disrupt protein function. Please note: this variant was assessed in the context of healthy population screening.

Labcorp Genetics (formerly Invitae), Labcorp
Classification: Pathogenic for Progressive sclerosing poliodystrophy. Last evaluated: 2023-07-08. Review status: criteria provided, single submitter. Criteria: Invitae Variant Classification Sherloc (09022015). Collection method: clinical testing. Allele origin: germline.
Comment: For these reasons, this variant has been classified as Pathogenic. ClinVar contains an entry for this variant (Variation ID: 1216938). This variant has not been reported in the literature in individuals affected with POLG-related conditions. This variant is not present in population databases (gnomAD no frequency). This sequence change creates a premature translational stop signal (p.Gln55*) in the POLG gene. It is expected to result in an absent or disrupted protein product. Loss-of-function variants in POLG are known to be pathogenic (PMID: 18546365).

GeneDx
Classification: Likely pathogenic. Last evaluated: 2020-02-11. Review status: criteria provided, single submitter. Criteria: GeneDx Variant Classification Process June 2021. Collection method: clinical testing. Allele origin: germline. Affected: yes.
Comment: Nonsense variant predicted to result in protein truncation or nonsense mediated decay in a gene for which loss-of-function is a known mechanism of disease; Not observed in large population cohorts (Lek et al., 2016); Has not been previously published as pathogenic or benign to our knowledge

Literature cited by the submitters: PubMed 18546365 (cited by Labcorp Genetics (formerly Invitae), Labcorp).

NM_002693.3(POLG):c.163C>T (p.Gln55Ter)

Genes: POLG (DNA polymerase gamma, catalytic subunit; minus strand), POLGARF (POLG alternative reading frame; minus strand). Cytogenetic location: 15q26.1.
Variant type: single nucleotide variant.
Coding change: c.163C>T on transcript NM_002693.3 (MANE Select); coding-DNA position 163, C replaced by T.
Protein change: p.Gln55Ter; replaces glutamine 55 with a stop codon.
Molecular consequence: nonsense.
Genome position (GRCh38, 1-based): chr15:89,333,592, G>A on the plus strand (C>T on the coding strand, the complement: POLG is on the minus strand). VCF-style: chr15-89333592-G-A. GRCh37 (hg19) VCF-style: chr15-89876823-G-A.
Other names: c.163C>T, p.Gln55Ter (NM_001126131.2); short protein forms Q55*.
Identifiers: ClinVar variation 1216938 (VCV001216938.7), dbSNP rs2055626123, ClinGen allele CA393774032.